The following is an entry in ClinVar:

ClinVar aggregate classification (germline): Likely benign (1 of 4 stars; one submission).

Submission:

CeGaT Center for Human Genetics Tuebingen
Classification: Likely benign. Last evaluated: 2025-07-01. Review status: criteria provided, single submitter. Criteria: CeGaT Center For Human Genetics Tuebingen Variant Classification Criteria Version 2. Collection method: clinical testing. Allele origin: germline. Affected: yes. Observed: 1 variant allele.
Comment: ARID1B: BP4

NM_001374828.1(ARID1B):c.3412A>G (p.Met1138Val)

Gene: ARID1B (AT-rich interaction domain 1B; plus strand). Cytogenetic location: 6q25.3.
Variant type: single nucleotide variant.
Coding change: c.3412A>G on transcript NM_001374828.1 (MANE Select); coding-DNA position 3412, A replaced by G.
Protein change: p.Met1138Val; replaces methionine 1138 with valine.
Molecular consequence: missense variant. On other transcripts: intron variant (5).
Genome position (GRCh38, 1-based): chr6:157,174,913, A>G. VCF-style: chr6-157174913-A-G. GRCh37 (hg19) VCF-style: chr6-157496047-A-G.
Other names: c.913A>G, p.Met305Val (NM_001363725.2); c.3541A>G, p.Met1181Val (NM_001438482.1); c.3454A>G, p.Met1152Val (NM_001438483.1); c.3322A>G, p.Met1108Val (NM_001438485.1); c.3232A>G, p.Met1078Val (NM_001438487.1); c.3384+796A>G (NM_001371656.1, NM_001374820.1); c.3387+796A>G (NM_001438486.1); c.3345+796A>G (NM_017519.3); and 1 more; short protein forms M1078V, M1108V, M1138V, M1152V, M1181V, M305V.
Identifiers: ClinVar variation 4084790 (VCV004084790.8).